The following is an entry in ClinVar:

ClinVar aggregate classification (germline): Uncertain significance. Review status: criteria provided, multiple submitters, no conflicts (2 of 4 stars). 5 submissions from 5 submitters: Uncertain significance (4). 1 of the submissions does not count toward it. Last evaluated 2026-08-06.

Conditions:
Dihydropyrimidine dehydrogenase deficiency (DPYDD). Also called: DPD DEFICIENCY; DPYD DEFICIENCY; Hereditary Thymine-Uraciluria. Identifiers: Orphanet 1675, MedGen C1959620, MONDO:0010130, OMIM 274270.

Allele frequency attached by ClinVar (database versions not stated): gnomAD exomes 0.00009; gnomAD 0.00031 and 0.00030; 1000 Genomes Project 0.00060; ESP Exome Variant Server 0.00077; TOPMed 0.00042; 1000 Genomes Project 30x 0.00078.
gnomAD v4.1: 86 of 1,613,562 alleles (0.0053%); highest among the groups gnomAD compares: African/African-American, 0.1%; no homozygotes.

Submissions (5):

OLLIN Analises Genomicas, OLLIN
Classification: Uncertain significance for Dihydropyrimidine dehydrogenase deficiency. Last evaluated: 2026-08-06. Review status: criteria provided, single submitter. Criteria: ACMG Guidelines 2015 PMID 25741868. Collection method: clinical testing. Allele origin: germline. Inheritance: Autosomal recessive inheritance.
Comment: This missense variant, located in exon 12 (of 23), has been reported in ClinVar (accession VCV000100098.10) and in gnomAD with an allele frequency of 0.0053%. However, to our knowledge, it has not been reported in the scientific literature. In silico analysis predicts that this variant has a deleterious effect. According to the currently available evidence, this variant has been classified as uncertain significance (PM2_P, PP3).

GeneDx
Classification: Uncertain significance. Last evaluated: 2025-07-12. Review status: criteria provided, single submitter. Criteria: GeneDx Variant Classification Process June 2021. Collection method: clinical testing. Allele origin: germline. Affected: yes.
Comment: In silico analysis supports that this missense variant has a deleterious effect on protein structure/function; This variant is associated with the following publications: (PMID: 32707991, 39032822, 23588312, 27311679)

Genome-Nilou Lab
Classification: Uncertain significance for Dihydropyrimidine dehydrogenase deficiency. Last evaluated: 2023-04-11. Review status: criteria provided, single submitter. Criteria: ACMG Guidelines, 2015. Collection method: clinical testing. Allele origin: germline. Affected: no.

Women's Health and Genetics/Laboratory Corporation of America, LabCorp
Classification: Uncertain significance. Last evaluated: 2022-03-23. Review status: criteria provided, single submitter. Criteria: LabCorp Variant Classification Summary - May 2015. Collection method: clinical testing. Allele origin: germline.
Comment: Variant summary: DPYD c.1358C>G (p.Pro453Arg) results in a non-conservative amino acid change in the encoded protein sequence. Five of five in-silico tools predict a damaging effect of the variant on protein function. The variant allele was found at a frequency of 8.8e-05 in 250586 control chromosomes, predominantly at a frequency of 0.0014 within the African or African-American subpopulation in the gnomAD database. This frequency is not significantly higher than estimated for a pathogenic variant in DPYD causing Dihydropyrimidine Dehydrogenase Deficiency (8.8e-05 vs 0.0025), allowing no conclusion about variant significance. To our knowledge, no occurrence of c.1358C>G in individuals affected with Dihydropyrimidine Dehydrogenase Deficiency has been reported. At least one publication reports experimental evidence evaluating an impact on protein function (Offer_2014) These results showed no damaging effect of this variant. One clinical diagnostic laboratory has submitted clinical-significance assessments for this variant to ClinVar after 2014 without evidence for independent evaluation and classified the variant as uncertain significance. Based on the evidence outlined above, the variant was classified as uncertain significance.

Diasio Lab,  Mayo Clinic
No classification provided. Review status: no classification provided. Collection method: not provided. Allele origin: unknown. Not counted in ClinVar's aggregate classification.

Literature cited by the submitters: PubMed 24648345 (cited by Women's Health and Genetics/Laboratory Corporation of America, LabCorp); PubMed 27311679 (cited by Women's Health and Genetics/Laboratory Corporation of America, LabCorp); PubMed 32707991 (cited by Women's Health and Genetics/Laboratory Corporation of America, LabCorp); PubMed 23588312 (cited by Women's Health and Genetics/Laboratory Corporation of America, LabCorp).

NM_000110.4(DPYD):c.1358C>G (p.Pro453Arg)

Gene: DPYD (dihydropyrimidine dehydrogenase; minus strand). Cytogenetic location: 1p21.3.
Variant type: single nucleotide variant.
Coding change: c.1358C>G on transcript NM_000110.4 (MANE Select); coding-DNA position 1358, C replaced by G.
Protein change: p.Pro453Arg; replaces proline 453 with arginine.
Molecular consequence: missense variant.
Genome position (GRCh38, 1-based): chr1:97,549,726, G>C on the plus strand (C>G on the coding strand, the complement: DPYD is on the minus strand). VCF-style: chr1-97549726-G-C. GRCh37 (hg19) VCF-style: chr1-98015282-G-C.
Other names: short protein forms P453R.
Identifiers: ClinVar variation 100098 (VCV000100098.11), dbSNP rs144395748, ClinGen allele CA228134.